The following is an entry in ClinVar:

ClinVar aggregate classification (germline): Conflicting classifications of pathogenicity. Review status: criteria provided, conflicting classifications (1 of 4 stars). 6 submissions from 6 submitters: Uncertain significance (5); Likely benign (1). Last evaluated 2024-10-29.

Conditions:
Hereditary cancer-predisposing syndrome. Also called: Neoplastic Syndromes, Hereditary; Hereditary Cancer Syndrome; Tumor predisposition; Hereditary neoplastic syndrome. Identifiers: Orphanet 140162, MedGen C0027672, MeSH D009386, MONDO:0015356.
Familial cancer of breast. Also called: BREAST CANCER, FAMILIAL; hereditary breast carcinoma; Hereditary breast cancer. Identifiers: Orphanet 227535, MedGen C0346153, MONDO:0016419, OMIM 114480. Disease mechanism: loss of function.
Ataxia-telangiectasia syndrome (AT). Also called: Ataxia-telangiectasia, complementation group D; AT, COMPLEMENTATION GROUP C; Ataxia-telangiectasia; ATAXIA-TELANGIECTASIA, COMPLEMENTATION GROUP A; ATAXIA-TELANGIECTASIA, FRESNO VARIANT; Ataxia-telangiectasia, complementation group E. Identifiers: Orphanet 100, MedGen C0004135, MONDO:0008840, OMIM 208900.

gnomAD v4.1: 1 of 1,614,114 alleles (0.000062%); highest among the groups gnomAD compares: Non-Finnish European, 0.000085%; no homozygotes.

Submissions (6):

GeneDx
Classification: Uncertain significance. Last evaluated: 2024-10-29. Review status: criteria provided, single submitter. Criteria: GeneDx Variant Classification Process June 2021. Collection method: clinical testing. Allele origin: germline. Affected: yes.
Comment: Not observed at significant frequency in large population cohorts (gnomAD); In silico analysis indicates that this missense variant does not alter protein structure/function; Has not been previously published as pathogenic or benign to our knowledge; This variant is associated with the following publications: (PMID: 28580595)

Labcorp Genetics (formerly Invitae), Labcorp
Classification: Uncertain significance for Ataxia-telangiectasia syndrome. Last evaluated: 2024-04-17. Review status: criteria provided, single submitter. Criteria: Invitae Variant Classification Sherloc (09022015). Collection method: clinical testing. Allele origin: germline.
Comment: This sequence change replaces valine, which is neutral and non-polar, with leucine, which is neutral and non-polar, at codon 2705 of the ATM protein (p.Val2705Leu). This variant is present in population databases (rs587779870, gnomAD 0.0009%). This variant has not been reported in the literature in individuals affected with ATM-related conditions. ClinVar contains an entry for this variant (Variation ID: 127455). Algorithms developed to predict the effect of missense changes on protein structure and function output the following: SIFT: "Not Available"; PolyPhen-2: "Benign"; Align-GVGD: "Not Available". The leucine amino acid residue is found in multiple mammalian species, which suggests that this missense change does not adversely affect protein function. In summary, the available evidence is currently insufficient to determine the role of this variant in disease. Therefore, it has been classified as a Variant of Uncertain Significance.

Baylor Genetics
Classification: Uncertain significance for Familial cancer of breast. Last evaluated: 2024-02-14. Review status: criteria provided, single submitter. Criteria: ACMG Guidelines, 2015. Collection method: clinical testing. Allele origin: unknown.

Ambry Genetics
Classification: Likely benign for Hereditary cancer-predisposing syndrome. Last evaluated: 2024-01-29. Review status: criteria provided, single submitter. Criteria: Ambry Variant Classification Scheme 2023. Collection method: clinical testing. Allele origin: germline.

Sema4
Classification: Uncertain significance for Hereditary cancer-predisposing syndrome. Last evaluated: 2021-08-25. Review status: criteria provided, single submitter. Criteria: Sema4 Curation Guidelines. Collection method: curation. Allele origin: germline.
Comment: The ATM c.8113G>T (p.V2705L) variant has not been reported in the literature to our knowledge. It was observed in 1/113682 chromosomes of the Non-Finnish European subpopulation in the large and broad cohorts of the Genome Aggregation Database (PMID: 32461654). This variant has been reported in ClinVar (Variation ID 127455). Functional studies have not been performed, and in silico predictions of the variant's effect on protein function are inconclusive. The evidence is insufficient to meet ACMG/AMP criteria for classifying the variant as benign or pathogenic. Thus, the clinical significance of this variant is currently uncertain.

Color Diagnostics, LLC DBA Color Health
Classification: Uncertain significance for Hereditary cancer-predisposing syndrome. Last evaluated: 2019-06-05. Review status: criteria provided, single submitter. Criteria: ACMG Guidelines, 2015. Collection method: clinical testing. Allele origin: germline.

Literature cited by the submitters: PubMed 28580595 (cited by Ambry Genetics).

NM_000051.4(ATM):c.8113G>T (p.Val2705Leu)

Genes: ATM (ATM serine/threonine kinase; plus strand), C11orf65 (chromosome 11 open reading frame 65; minus strand). Cytogenetic location: 11q22.3.
Variant type: single nucleotide variant.
Coding change: c.8113G>T on transcript NM_000051.4 (MANE Select); coding-DNA position 8113, G replaced by T.
Protein change: p.Val2705Leu; replaces valine 2705 with leucine.
Molecular consequence: missense variant. On other transcripts: intron variant (2).
Genome position (GRCh38, 1-based): chr11:108,335,071, G>T. VCF-style: chr11-108335071-G-T. GRCh37 (hg19) VCF-style: chr11-108205798-G-T.
Other names: p.V2705L:GTA>TTA; c.8113G>T, p.Val2705Leu (NM_001351834.2); c.641-26000C>A (NM_001330368.2); c.*38+149C>A (NM_001351110.2); short protein forms V2705L.
Identifiers: ClinVar variation 127455 (VCV000127455.19), dbSNP rs587779870, ClinGen allele CA287009.